The following is an entry in ClinVar:

NM_002292.4(LAMB2):c.4004A>G (p.His1335Arg)

Gene: LAMB2 (laminin subunit beta 2; minus strand). Cytogenetic location: 3p21.31.
Variant type: single nucleotide variant.
Coding change: c.4004A>G on transcript NM_002292.4 (MANE Select); coding-DNA position 4004, A replaced by G.
Protein change: p.His1335Arg; replaces histidine 1335 with arginine.
Molecular consequence: missense variant.
Genome position (GRCh38, 1-based): chr3:49,123,352, T>C on the plus strand (A>G on the coding strand, the complement: LAMB2 is on the minus strand). VCF-style: chr3-49123352-T-C. GRCh37 (hg19) VCF-style: chr3-49160785-T-C.
Other names: short protein forms H1335R.
Identifiers: ClinVar variation 1014155 (VCV001014155.5), dbSNP rs775944984, ClinGen allele CA2393889.

ClinVar aggregate classification (germline): Uncertain significance (1 of 4 stars; one submission).

Conditions:
Pierson syndrome. Also called: MICROCORIA-CONGENITAL NEPHROTIC SYNDROME. Identifiers: Orphanet 2670, MedGen C1836876, MONDO:0012184, OMIM 609049.
LAMB2-related infantile-onset nephrotic syndrome. Also called: NEPHROTIC SYNDROME, TYPE 5, WITHOUT OCULAR ABNORMALITIES; NEPHROTIC SYNDROME, TYPE 5, WITH OCULAR ABNORMALITIES; Nephrotic Syndrome, type 5. Identifiers: Orphanet 306507, MedGen C3280113, MONDO:0013621, OMIM 614199.

Allele frequency attached by ClinVar (database versions not stated): gnomAD exomes below 0.00001; ExAC 0.00001.
gnomAD v4.1: 5 of 1,614,020 alleles (0.00031%); highest among the groups gnomAD compares: Non-Finnish European, 0.00042%; no homozygotes.

Submission:

Labcorp Genetics (formerly Invitae), Labcorp
Classification: Uncertain significance for LAMB2-related infantile-onset nephrotic syndrome; Pierson syndrome. Last evaluated: 2022-07-06. Review status: criteria provided, single submitter. Criteria: Invitae Variant Classification Sherloc (09022015). Collection method: clinical testing. Allele origin: germline.
Comment: In summary, the available evidence is currently insufficient to determine the role of this variant in disease. Therefore, it has been classified as a Variant of Uncertain Significance. Algorithms developed to predict the effect of missense changes on protein structure and function output the following: SIFT: "Tolerated"; PolyPhen-2: "Benign"; Align-GVGD: "Class C0". The arginine amino acid residue is found in multiple mammalian species, which suggests that this missense change does not adversely affect protein function. ClinVar contains an entry for this variant (Variation ID: 1014155). This variant has not been reported in the literature in individuals affected with LAMB2-related conditions. This variant is present in population databases (rs775944984, gnomAD 0.0009%). This sequence change replaces histidine, which is basic and polar, with arginine, which is basic and polar, at codon 1335 of the LAMB2 protein (p.His1335Arg).